The following is an entry in ClinVar:

NM_000093.5(COL5A1):c.2196A>G (p.Pro732=)

Gene: COL5A1 (collagen type V alpha 1 chain; plus strand). Cytogenetic location: 9q34.3.
Variant type: single nucleotide variant.
Coding change: c.2196A>G on transcript NM_000093.5 (MANE Select); coding-DNA position 2196, A replaced by G.
Protein change: p.Pro732=; no amino-acid change (proline 732 retained).
Molecular consequence: synonymous variant.
Genome position (GRCh38, 1-based): chr9:134,767,318, A>G. VCF-style: chr9-134767318-A-G. GRCh37 (hg19) VCF-style: chr9-137659164-A-G.
Other names: c.2196A>G, p.Pro732= (NM_001278074.1).
Identifiers: ClinVar variation 668408 (VCV000668408.1), dbSNP rs1588526318, ClinGen allele CA467656930.
Genomic context (GRCh38, chr9:134,767,318, plus strand): 5'-CTGAGTCAATCAGCGCCCTCACCTTCCCTTTCTGGCTCTTTCTCCCTCTTAGGGTCTTCC[A>G]GGCCCCCAGGGTGCAATTGGTCCTCCAGGAGAAAAGGTAGGTGGGCCTGGGCTGTGTTGC-3'
Protein context (NP_000084.3, residues 722-742): QQGNPGAQGL[Pro732=]GPQGAIGPPG

ClinVar aggregate classification (germline): Likely benign (1 of 4 stars; one submission).

Submission:

GeneDx
Classification: Likely benign. Last evaluated: 2018-05-17. Review status: criteria provided, single submitter. Criteria: GeneDx Variant Classification (06012015). Collection method: clinical testing. Allele origin: germline. Affected: yes.
Comment: This variant is considered likely benign or benign based on one or more of the following criteria: it is a conservative change, it occurs at a poorly conserved position in the protein, it is predicted to be benign by multiple in silico algorithms, and/or has population frequency not consistent with disease.